The following is an entry in ClinVar:

NM_015272.5(RPGRIP1L):c.230+1G>A

Gene: RPGRIP1L (RPGRIP1 like; minus strand). Cytogenetic location: 16q12.2.
Variant type: single nucleotide variant.
Coding change: c.230+1G>A on transcript NM_015272.5 (MANE Select); the canonical splice donor site of the intron after coding-DNA position 230, G replaced by A.
Molecular consequence: splice donor variant. On other transcripts: synonymous variant (1).
Genome position (GRCh38, 1-based): chr16:53,696,150, C>T on the plus strand (G>A on the coding strand, the complement: RPGRIP1L is on the minus strand). VCF-style: chr16-53696150-C-T. GRCh37 (hg19) VCF-style: chr16-53730062-C-T.
Other names: c.231G>A, p.Arg77= (NM_001328423.2); c.230+1G>A (NM_001127897.4, NM_001330538.2, NM_001308334.3 and 1 more transcripts).
Identifiers: ClinVar variation 188193 (VCV000188193.17), dbSNP rs786204135, ClinGen allele CA334279.

ClinVar aggregate classification (germline): Likely pathogenic. Review status: criteria provided, multiple submitters, no conflicts (2 of 4 stars). 3 submissions from 3 submitters: Likely pathogenic (3). Last evaluated 2025-11-08.

Conditions:
Meckel syndrome, type 5 (MKS5). Identifiers: Orphanet 564, MedGen C1969052, MONDO:0012695, OMIM 611561.
COACH syndrome 3. Identifiers: MedGen C5436841, MONDO:0030862, OMIM 619113.
Joubert syndrome 7 (JBTS7). Identifiers: Orphanet 220497, MedGen C1969053, MONDO:0012694, OMIM 611560.
Meckel-Gruber syndrome. Also called: DYSENCEPHALIA SPLANCHNOCYSTICA; GRUBER SYNDROME; Dysencephalia splachnocystica. Identifiers: Orphanet 564, MedGen C0265215, MONDO:0018921.
Joubert syndrome. Also called: CEREBELLOPARENCHYMAL DISORDER IV; JOUBERT-BOLTSHAUSER SYNDROME; Familial aplasia of the vermis. Identifiers: Orphanet 475, MedGen C5979921, MONDO:0018772.

Allele frequency attached by ClinVar (database versions not stated): gnomAD 0.00001; TOPMed 0.00001.
gnomAD v4.1: 3 of 1,613,508 alleles (0.00019%); highest among the groups gnomAD compares: African/African-American, 0.0027%; no homozygotes.

Submissions (3):

Labcorp Genetics (formerly Invitae), Labcorp
Classification: Likely pathogenic for Joubert syndrome; Meckel-Gruber syndrome. Last evaluated: 2025-11-08. Review status: criteria provided, single submitter. Criteria: Invitae Variant Classification Sherloc (09022015). Collection method: clinical testing. Allele origin: germline.
Comment: This sequence change affects a donor splice site in intron 3 of the RPGRIP1L gene. It is expected to disrupt RNA splicing. Variants that disrupt the donor or acceptor splice site typically lead to a loss of protein function (PMID: 16199547), and loss-of-function variants in RPGRIP1L are known to be pathogenic (PMID: 17558409). This variant is not present in population databases (gnomAD no frequency). This variant has not been reported in the literature in individuals affected with RPGRIP1L-related conditions. ClinVar contains an entry for this variant (Variation ID: 188193). Algorithms developed to predict the effect of sequence changes on RNA splicing suggest that this variant may disrupt the consensus splice site. In summary, the currently available evidence indicates that the variant is pathogenic, but additional data are needed to prove that conclusively. Therefore, this variant has been classified as Likely Pathogenic.

Natera, Inc.
Classification: Likely pathogenic for Joubert syndrome. Last evaluated: 2025-07-14. Review status: criteria provided, single submitter. Criteria: Natera Variant Classification Schema (03/2026). Collection method: clinical testing. Allele origin: germline.
Comment: The c.230+1G>A variant in RPGRIP1L is a canonical splice donor site variant predicted to affect pre-mRNA splicing, which may result in an abnormal transcript and altered protein product. This variant is expected to result in nonsense mediated decay, truncation, or a dysfunctional protein product. This variant is rare in the general population with a frequency below the threshold expected for the associated phenotype(s). Given the available evidence, this variant is classified as Likely Pathogenic.

Fulgent Genetics
Classification: Likely pathogenic for Joubert syndrome 7; Meckel syndrome, type 5; COACH syndrome 3. Last evaluated: 2021-07-03. Review status: criteria provided, single submitter. Criteria: ACMG Guidelines, 2015. Collection method: clinical testing. Allele origin: unknown.

Literature cited by the submitters: PubMed 16199547 (cited by Labcorp Genetics (formerly Invitae), Labcorp); PubMed 17558409 (cited by Labcorp Genetics (formerly Invitae), Labcorp).